The following is an entry in ClinVar:

ClinVar aggregate classification (germline): Uncertain significance (1 of 4 stars; one submission).

Submission:

Labcorp Genetics (formerly Invitae), Labcorp
Classification: Uncertain significance. Last evaluated: 2024-11-27. Review status: criteria provided, single submitter. Criteria: Invitae Variant Classification Sherloc (09022015). Collection method: clinical testing. Allele origin: germline.
Comment: This sequence change falls in intron 10 of the ENPP1 gene. It does not directly change the encoded amino acid sequence of the ENPP1 protein. This variant is not present in population databases (gnomAD no frequency). This variant has not been reported in the literature in individuals affected with ENPP1-related conditions. ClinVar contains an entry for this variant (Variation ID: 2009880). Algorithms developed to predict the effect of sequence changes on RNA splicing suggest that this variant may disrupt the consensus splice site. In summary, the available evidence is currently insufficient to determine the role of this variant in disease. Therefore, it has been classified as a Variant of Uncertain Significance.

NM_006208.3(ENPP1):c.1092-9T>A

Gene: ENPP1 (ectonucleotide pyrophosphatase/phosphodiesterase 1; plus strand). Cytogenetic location: 6q23.2.
Variant type: single nucleotide variant.
Coding change: c.1092-9T>A on transcript NM_006208.3 (MANE Select); 9 bases into the intron before coding-DNA position 1092, T replaced by A.
Molecular consequence: intron variant.
Genome position (GRCh38, 1-based): chr6:131,864,857, T>A. VCF-style: chr6-131864857-T-A. GRCh37 (hg19) VCF-style: chr6-132185997-T-A.
Identifiers: ClinVar variation 2009880 (VCV002009880.4), dbSNP rs2483487393, ClinGen allele CA2580075081.
Genomic context (GRCh38, chr6:131,864,857, plus strand): 5'-GAATTATTTTTTCCATTCTGTTTTTCAATGTGTTCGTAAAATATTACATTTTGATACTGT[T>A]TGATTTAGACCACACTTTTACACTCTGTATTTAGAAGAACCAGATTCTTCAGGTCATTCA-3'